The following is an entry in ClinVar:

ClinVar aggregate classification (germline): Uncertain significance. Review status: criteria provided, multiple submitters, no conflicts (2 of 4 stars). 2 submissions from 2 submitters: Uncertain significance (2). Last evaluated 2023-10-27.

Allele frequency attached by ClinVar (database versions not stated): TOPMed 0.00001; ExAC 0.00002; gnomAD exomes below 0.00001 and 0.00001.
gnomAD v4.1: 5 of 1,612,842 alleles (0.00031%); highest among the groups gnomAD compares: Middle Eastern, 0.017%; no homozygotes.

Submissions (2):

Blueprint Genetics
Classification: Uncertain significance. Last evaluated: 2023-10-27. Review status: criteria provided, single submitter. Criteria: ACMG Guidelines, 2015. Collection method: clinical testing. Allele origin: germline.

Laboratory for Molecular Medicine, Mass General Brigham Personalized Medicine
Classification: Uncertain significance. Last evaluated: 2015-07-16. Review status: criteria provided, single submitter. Criteria: LMM Criteria. Collection method: clinical testing. Allele origin: germline. Observed: 1 variant allele.
Comment: The p.Gln3838X variant in TTN has not been previously reported in individuals wi th cardiomyopathy, but has been identified in 1/10192 African chromosomes and 1/ 66600 European chromosomes by the Exome Aggregation Consortium (ExAC). This nonsense variant leads to a premature termination co don at position 3838 and is located in the last exon of an alternative transcrip t (Novex-3), which is expected to result in a truncated protein. Although trunca ting variants in the TTN gene are common in individuals with DCM (Herman 2012, P ugh 2014), the function of the Novex-3 transcript is unclear. In summary, the cl inical significance of the p.Gln3838X variant is uncertain.

NM_133379.5(TTN):c.11512C>T (p.Gln3838Ter)

Gene: TTN (titin; minus strand). Cytogenetic location: 2q31.2.
Variant type: single nucleotide variant.
Coding change: c.11512C>T on transcript NM_133379.5; coding-DNA position 11512, C replaced by T.
Protein change: p.Gln3838Ter; replaces glutamine 3838 with a stop codon.
Molecular consequence: nonsense. On other transcripts: intron variant (6).
Genome position (GRCh38, 1-based): chr2:178,750,888, G>A on the plus strand (C>T on the coding strand, the complement: TTN is on the minus strand). VCF-style: chr2-178750888-G-A. GRCh37 (hg19) VCF-style: chr2-179615615-G-A.
Other names: c.10222+2236C>T (NM_003319.4); c.10798+2236C>T (NM_133437.4); c.10597+2236C>T (NM_133432.3); c.10360+2236C>T (NM_133378.4, NM_001256850.1); c.11311+2236C>T (NM_001267550.2); short protein forms Q3838*.
Identifiers: ClinVar variation 229578 (VCV000229578.6), dbSNP rs756000739, ClinGen allele CA2003727.